The following is an entry in ClinVar:

NM_032193.4(RNASEH2C):c.461C>T (p.Ala154Val)

Gene: RNASEH2C (ribonuclease H2 subunit C; minus strand). Cytogenetic location: 11q13.1.
Variant type: single nucleotide variant.
Coding change: c.461C>T on transcript NM_032193.4 (MANE Select); coding-DNA position 461, C replaced by T.
Protein change: p.Ala154Val; replaces alanine 154 with valine.
Molecular consequence: missense variant.
Genome position (GRCh38, 1-based): chr11:65,720,052, G>A on the plus strand (C>T on the coding strand, the complement: RNASEH2C is on the minus strand). VCF-style: chr11-65720052-G-A. GRCh37 (hg19) VCF-style: chr11-65487523-G-A.
Other names: short protein forms A154V.
Identifiers: ClinVar variation 4525747 (VCV004525747.1).
Genomic context (GRCh38, chr11:65,720,052, plus strand): 5'-GTGCTCCCCAGCCCATCCACCCGGGGGCAAGACGGAACTCCTCGTCTACTCACCGCTGCC[G>A]CAAGGCTGGGCCAAGTTAAGGCCCCACGCACTTTGGCATCCGGGCCAGGGATGGTCTCCA-3'
Protein context (NP_115569.2, residues 144-164): VRGALTWPSL[Ala154Val]AAIHAQVPED

ClinVar aggregate classification (germline): Uncertain significance (1 of 4 stars; one submission).

gnomAD v4.1: 4 of 1,613,600 alleles (0.00025%); highest among the groups gnomAD compares: South Asian, 0.0022%; no homozygotes.

Submission:

Women's Health and Genetics/Laboratory Corporation of America, LabCorp
Classification: Uncertain significance. Last evaluated: 2025-07-21. Review status: criteria provided, single submitter. Criteria: LabCorp Variant Classification Summary - May 2015. Collection method: clinical testing. Allele origin: germline.
Comment: Variant summary: RNASEH2C c.461C>T (p.Ala154Val) results in a non-conservative amino acid change in the encoded protein sequence. Algorithms developed to predict the effect of missense changes on protein structure and function all suggest that this variant is likely to be disruptive. The variant allele was found at a frequency of 4e-06 in 250760 control chromosomes. The available data on variant occurrences in the general population are insufficient to allow any conclusion about variant significance. c.461C>T has been observed in at least one compound heterozygous individual affected with Aicardi Goutieres Syndrome (e.g. Wang_2022). These report(s) do not provide unequivocal conclusions about association of the variant with Aicardi Goutieres Syndrome. To our knowledge, no experimental evidence demonstrating an impact on protein function has been reported. The following publication has been ascertained in the context of this evaluation (PMID: 35551623). No submitters have cited clinical-significance assessments for this variant to ClinVar. Based on the evidence outlined above, the variant was classified as uncertain significance.

Literature cited by the submitters: PubMed 35551623.